The following is an entry in ClinVar:

NM_020975.6(RET):c.1984A>G (p.Lys662Glu)

Gene: RET (ret proto-oncogene; plus strand). Cytogenetic location: 10q11.21.
Variant type: single nucleotide variant.
Coding change: c.1984A>G on transcript NM_020975.6 (MANE Select); coding-DNA position 1984, A replaced by G.
Protein change: p.Lys662Glu; replaces lysine 662 with glutamic acid.
Molecular consequence: missense variant.
Genome position (GRCh38, 1-based): chr10:43,114,584, A>G. VCF-style: chr10-43114584-A-G. GRCh37 (hg19) VCF-style: chr10-43610032-A-G.
Other names: c.1984A>G, p.Lys662Glu (NM_000323.2, NM_001406743.1, NM_001406744.1 and 4 more transcripts); c.1222A>G, p.Lys408Glu (NM_001355216.2); c.1855A>G, p.Lys619Glu (NM_001406761.1, NM_001406762.1, NM_001406764.1); c.1696A>G, p.Lys566Glu (NM_001406766.1, NM_001406767.1, NM_001406770.1); c.1588A>G, p.Lys530Glu (NM_001406769.1, NM_001406772.1); c.1546A>G, p.Lys516Glu (NM_001406771.1, NM_001406773.1); c.1459A>G, p.Lys487Glu (NM_001406774.1); c.1258A>G, p.Lys420Glu (NM_001406775.1, NM_001406776.1, NM_001406777.1 and 1 more transcripts); and 7 more; short protein forms K408E, K662E, K227E, K516E, K267E, K320E, K530E, K566E.
Identifiers: ClinVar variation 935423 (VCV000935423.11), dbSNP rs1838023938, ClinGen allele CA376553076.

ClinVar aggregate classification (germline): Uncertain significance. Review status: criteria provided, multiple submitters, no conflicts (2 of 4 stars). 2 submissions from 2 submitters: Uncertain significance (2). Last evaluated 2025-07-08.

Conditions:
Multiple endocrine neoplasia, type 2 (MEN2). Identifiers: Orphanet 653, MedGen C4048306, MONDO:0019003. Disease mechanism: gain of function.
Hereditary cancer-predisposing syndrome. Also called: Tumor predisposition; Hereditary neoplastic syndrome; Hereditary Cancer Syndrome; Neoplastic Syndromes, Hereditary. Identifiers: Orphanet 140162, MedGen C0027672, MeSH D009386, MONDO:0015356.

Submissions (2):

Labcorp Genetics (formerly Invitae), Labcorp
Classification: Uncertain significance for Multiple endocrine neoplasia, type 2. Last evaluated: 2025-07-08. Review status: criteria provided, single submitter. Criteria: Invitae Variant Classification Sherloc (09022015). Collection method: clinical testing. Allele origin: germline.
Comment: This sequence change replaces lysine, which is basic and polar, with glutamic acid, which is acidic and polar, at codon 662 of the RET protein (p.Lys662Glu). This variant is not present in population databases (gnomAD no frequency). This variant has not been reported in the literature in individuals affected with RET-related conditions. ClinVar contains an entry for this variant (Variation ID: 935423). An algorithm developed to predict the effect of missense changes on protein structure and function (PolyPhen-2) suggests that this variant is likely to be disruptive. In summary, the available evidence is currently insufficient to determine the role of this variant in disease. Therefore, it has been classified as a Variant of Uncertain Significance.

Ambry Genetics
Classification: Uncertain significance for Hereditary cancer-predisposing syndrome. Last evaluated: 2025-04-12. Review status: criteria provided, single submitter. Criteria: Ambry Variant Classification Scheme 2023. Collection method: clinical testing. Allele origin: germline.
Comment: The p.K662E variant (also known as c.1984A>G), located in coding exon 11 of the RET gene, results from an A to G substitution at nucleotide position 1984. The lysine at codon 662 is replaced by glutamic acid, an amino acid with similar properties. This amino acid position is conserved. In addition, this alteration is predicted to be deleterious by in silico analysis. Based on the available evidence, the clinical significance of this variant remains unclear.